The following is an entry in ClinVar:

NM_000535.7(PMS2):c.704A>C (p.Gln235Pro)

Gene: PMS2 (PMS1 homolog 2, mismatch repair system component; minus strand). Cytogenetic location: 7p22.1.
Variant type: single nucleotide variant.
Coding change: c.704A>C on transcript NM_000535.7 (MANE Select); coding-DNA position 704, A replaced by C.
Protein change: p.Gln235Pro; replaces glutamine 235 with proline.
Molecular consequence: missense variant. On other transcripts: 5 prime UTR variant (2), non-coding transcript variant (1), intron variant (1).
Genome position (GRCh38, 1-based): chr7:5,999,109, T>G on the plus strand (A>C on the coding strand, the complement: PMS2 is on the minus strand). VCF-style: chr7-5999109-T-G. GRCh37 (hg19) VCF-style: chr7-6038740-T-G.
Other names: c.299A>C, p.Gln100Pro (NM_001322003.2, NM_001322004.2, NM_001322005.2 and 2 more transcripts); c.704A>C, p.Gln235Pro (NM_001322006.2, NM_001322014.2); c.386A>C, p.Gln129Pro (NM_001322007.2, NM_001322008.2); c.-230A>C (NM_001322011.2, NM_001322012.2); c.395A>C, p.Gln132Pro (NM_001322015.2); c.133-1686A>C (NM_001322013.2); short protein forms Q100P, Q129P, Q132P, Q235P.
Identifiers: ClinVar variation 1171972 (VCV001171972.5), dbSNP rs2128798976, ClinGen allele CA366743809.

ClinVar aggregate classification (germline): Uncertain significance. Review status: criteria provided, multiple submitters, no conflicts (2 of 4 stars). 2 submissions from 2 submitters: Uncertain significance (2). Last evaluated 2024-01-27.

Conditions:
Hereditary cancer-predisposing syndrome. Also called: Tumor predisposition; Hereditary neoplastic syndrome; Hereditary Cancer Syndrome; Neoplastic Syndromes, Hereditary. Identifiers: Orphanet 140162, MedGen C0027672, MeSH D009386, MONDO:0015356.
Hereditary nonpolyposis colorectal neoplasms. Identifiers: MedGen C0009405, MeSH D003123.

Submissions (2):

Labcorp Genetics (formerly Invitae), Labcorp
Classification: Uncertain significance for Hereditary nonpolyposis colorectal neoplasms. Last evaluated: 2024-01-27. Review status: criteria provided, single submitter. Criteria: Invitae Variant Classification Sherloc (09022015). Collection method: clinical testing. Allele origin: germline.
Comment: This sequence change replaces glutamine, which is neutral and polar, with proline, which is neutral and non-polar, at codon 235 of the PMS2 protein (p.Gln235Pro). This variant is not present in population databases (gnomAD no frequency). This variant has not been reported in the literature in individuals affected with PMS2-related conditions. ClinVar contains an entry for this variant (Variation ID: 1171972). An algorithm developed to predict the effect of missense changes on protein structure and function (PolyPhen-2) suggests that this variant is likely to be disruptive. Studies have shown that this missense change is associated with altered splicing resulting in multiple RNA products (Inviate). In summary, the available evidence is currently insufficient to determine the role of this variant in disease. Therefore, it has been classified as a Variant of Uncertain Significance.

Color Diagnostics, LLC DBA Color Health
Classification: Uncertain significance for Hereditary cancer-predisposing syndrome. Last evaluated: 2020-04-27. Review status: criteria provided, single submitter. Criteria: ACMG Guidelines, 2015. Collection method: clinical testing. Allele origin: germline.
Comment: This missense variant replaces glutamine with proline at codon 235 of the PMS2 protein. Computational prediction suggests that this variant may have deleterious impact on protein structure and function (internally defined REVEL score threshold >= 0.7, PMID: 27666373). To our knowledge, functional studies have not been reported for this variant. This variant has not been reported in individuals affected with hereditary cancer in the literature. This variant has not been identified in the general population by the Genome Aggregation Database (gnomAD). The available evidence is insufficient to determine the role of this variant in disease conclusively. Therefore, this variant is classified as a Variant of Uncertain Significance.